The following is an entry in ClinVar:

NM_000243.3(MEFV):c.1222C>T (p.Arg408Trp)

Gene: MEFV (MEFV innate immunity regulator, pyrin; minus strand). Cytogenetic location: 16p13.3.
Variant type: single nucleotide variant.
Coding change: c.1222C>T on transcript NM_000243.3 (MANE Select); coding-DNA position 1222, C replaced by T.
Protein change: p.Arg408Trp; replaces arginine 408 with tryptophan.
Molecular consequence: missense variant.
Genome position (GRCh38, 1-based): chr16:3,249,469, G>A on the plus strand (C>T on the coding strand, the complement: MEFV is on the minus strand). VCF-style: chr16-3249469-G-A. GRCh37 (hg19) VCF-style: chr16-3299469-G-A.
Other names: c.589C>T, p.Arg197Trp (NM_001198536.2); short protein forms R408W, R197W.
Identifiers: ClinVar variation 457994 (VCV000457994.12), dbSNP rs758868622, ClinGen allele CA7860213.

ClinVar aggregate classification (germline): Conflicting classifications of pathogenicity. Review status: criteria provided, conflicting classifications (1 of 4 stars). 8 submissions from 6 submitters: Uncertain significance (5); Likely benign (2). 1 of the submissions does not count toward it. Last evaluated 2025-09-16.

Conditions:
Familial Mediterranean fever, autosomal dominant. Also called: FMF, AUTOSOMAL DOMINANT; Dominant Familial Mediterranean Fever. Identifiers: Orphanet 342, MedGen C1851347, MONDO:0007601, OMIM 134610.
Acute febrile neutrophilic dermatosis (AFND). Also called: Sweet Syndrome; Gomm Button disease. Identifiers: Orphanet 3243, MedGen C0085077, MONDO:0011959, OMIM 608068.
Familial Mediterranean fever (FMF). Also called: POLYSEROSITIS, FAMILIAL PAROXYSMAL; POLYSEROSITIS, RECURRENT; Periodic peritonitis; Benign paroxysmal peritonitis. Identifiers: Orphanet 342, MedGen C0031069, MONDO:0018088, OMIM 249100. Disease mechanism: gain of function.
Autoinflammatory syndrome. Identifiers: Orphanet 93665, MedGen C3890737, MONDO:0019751.

Allele frequency attached by ClinVar (database versions not stated): gnomAD exomes 0.00002 and 0.00001; TOPMed 0.00002; ExAC 0.00001.
gnomAD v4.1: 28 of 1,614,072 alleles (0.0017%); highest among the groups gnomAD compares: East Asian, 0.0045%; no homozygotes.

Submissions (8):

Women's Health and Genetics/Laboratory Corporation of America, LabCorp
Classification: Uncertain significance. Last evaluated: 2025-09-16. Review status: criteria provided, single submitter. Criteria: LabCorp Variant Classification Summary - May 2015. Collection method: clinical testing. Allele origin: germline.
Comment: Variant summary: MEFV c.1222C>T (p.Arg408Trp) results in a non-conservative amino acid change in the encoded protein sequence. Algorithms developed to predict the effect of missense changes on protein structure and function are either unavailable or do not agree on the potential impact of this missense change. The variant allele was found at a frequency of 8e-06 in 250722 control chromosomes. The available data on variant occurrences in the general population are insufficient to allow any conclusion about variant significance. To our knowledge, no occurrence of c.1222C>T in individuals affected with MEFV-related conditions and no experimental evidence demonstrating its impact on protein function have been reported. ClinVar contains an entry for this variant (Variation ID: 457994). Based on the evidence outlined above, the variant was classified as uncertain significance.

Labcorp Genetics (formerly Invitae), Labcorp
Classification: Uncertain significance for Familial Mediterranean fever. Last evaluated: 2023-09-06. Review status: criteria provided, single submitter. Criteria: Invitae Variant Classification Sherloc (09022015). Collection method: clinical testing. Allele origin: germline.
Comment: In summary, the available evidence is currently insufficient to determine the role of this variant in disease. Therefore, it has been classified as a Variant of Uncertain Significance. This sequence change replaces arginine, which is basic and polar, with tryptophan, which is neutral and slightly polar, at codon 408 of the MEFV protein (p.Arg408Trp). This variant is present in population databases (rs758868622, gnomAD 0.002%). This variant has not been reported in the literature in individuals affected with MEFV-related conditions. ClinVar contains an entry for this variant (Variation ID: 457994). Algorithms developed to predict the effect of missense changes on protein structure and function output the following: SIFT: "Not Available"; PolyPhen-2: "Benign"; Align-GVGD: "Not Available". The tryptophan amino acid residue is found in multiple mammalian species, which suggests that this missense change does not adversely affect protein function.

Genome-Nilou Lab
Classification: Uncertain significance for Familial Mediterranean fever. Last evaluated: 2023-02-08. Review status: criteria provided, single submitter. Criteria: ACMG Guidelines, 2015. Collection method: clinical testing. Allele origin: germline.

Genome-Nilou Lab
Classification: Likely benign for Familial Mediterranean fever, autosomal dominant. Last evaluated: 2023-02-08. Review status: criteria provided, single submitter. Criteria: ACMG Guidelines, 2015. Collection method: clinical testing. Allele origin: germline.

Genome-Nilou Lab
Classification: Likely benign for Acute febrile neutrophilic dermatosis. Last evaluated: 2023-02-08. Review status: criteria provided, single submitter. Criteria: ACMG Guidelines, 2015. Collection method: clinical testing. Allele origin: germline.

Fulgent Genetics
Classification: Uncertain significance for Familial Mediterranean fever, autosomal dominant; Familial Mediterranean fever; Acute febrile neutrophilic dermatosis. Last evaluated: 2021-12-13. Review status: criteria provided, single submitter. Criteria: ACMG Guidelines, 2015. Collection method: clinical testing. Allele origin: unknown.

Genome Diagnostics Laboratory, The Hospital for Sick Children
Classification: Uncertain significance for Autoinflammatory syndrome. Last evaluated: 2016-12-12. Review status: criteria provided, single submitter. Criteria: ACMG Guidelines, 2015. Collection method: clinical testing. Allele origin: germline. Affected: yes.

Natera, Inc.
Classification: Uncertain significance for Familial Mediterranean fever. Last evaluated: 2020-09-16. Review status: no assertion criteria provided. Collection method: clinical testing. Allele origin: germline. Not counted in ClinVar's aggregate classification.